The following is an entry in ClinVar:

NM_001042492.3(NF1):c.888+785G>C

Gene: NF1 (neurofibromin 1; plus strand). Cytogenetic location: 17q11.2.
Variant type: single nucleotide variant.
Coding change: c.888+785G>C on transcript NM_001042492.3 (MANE Select); 785 bases into the intron after coding-DNA position 888, G replaced by C.
Molecular consequence: intron variant.
Genome position (GRCh38, 1-based): chr17:31,183,450, G>C. VCF-style: chr17-31183450-G-C. GRCh37 (hg19) VCF-style: chr17-29510468-G-C.
Other names: c.888+785G>C (NM_000267.4, NM_001128147.3).
Identifiers: ClinVar variation 4979375 (VCV004979375.1).

ClinVar aggregate classification (germline): Likely benign (1 of 4 stars; one submission).

Conditions:
NF1-related disorder. Also called: NF1-related condition. Identifiers: MedGen CN379171.

gnomAD v4.1: 11 of 152,208 alleles (0.0072%); highest among the groups gnomAD compares: African/African-American, 0.024%; no homozygotes.

Submission:

PreventionGenetics, part of Exact Sciences
Classification: Likely benign for NF1-related condition. Last evaluated: 2024-11-19. Review status: criteria provided, single submitter. Criteria: ACMG Guidelines, 2015. Collection method: clinical testing. Allele origin: germline.
Comment: This variant is classified as likely benign based on ACMG/AMP sequence variant interpretation guidelines (Richards et al. 2015 PMID: 25741868, with internal and published modifications).